The following is an entry in ClinVar:

ClinVar aggregate classification (germline): Uncertain significance (1 of 4 stars; one submission).

Allele frequency attached by ClinVar (database versions not stated): gnomAD exomes 0.00001 and 0.00004; TOPMed 0.00001; ExAC 0.00003.
gnomAD v4.1: 18 of 1,613,622 alleles (0.0011%); highest among the groups gnomAD compares: Middle Eastern, 0.016%; no homozygotes.

Submission:

Labcorp Genetics (formerly Invitae), Labcorp
Classification: Uncertain significance. Last evaluated: 2021-10-20. Review status: criteria provided, single submitter. Criteria: Invitae Variant Classification Sherloc (09022015). Collection method: clinical testing. Allele origin: germline.
Comment: This sequence change replaces asparagine with serine at codon 182 of the FKBP10 protein (p.Asn182Ser). The asparagine residue is highly conserved and there is a small physicochemical difference between asparagine and serine. This variant is present in population databases (rs782722256, ExAC 0.03%). This variant has not been reported in the literature in individuals affected with FKBP10-related conditions. Algorithms developed to predict the effect of missense changes on protein structure and function are either unavailable or do not agree on the potential impact of this missense change (SIFT: "Deleterious"; PolyPhen-2: "Probably Damaging"; Align-GVGD: "Class C0"). Algorithms developed to predict the effect of sequence changes on RNA splicing suggest that this variant may create or strengthen a splice site. In summary, the available evidence is currently insufficient to determine the role of this variant in disease. Therefore, it has been classified as a Variant of Uncertain Significance.

NM_021939.4(FKBP10):c.545A>G (p.Asn182Ser)

Gene: FKBP10 (FKBP prolyl isomerase 10; plus strand). Cytogenetic location: 17q21.2.
Variant type: single nucleotide variant.
Coding change: c.545A>G on transcript NM_021939.4 (MANE Select); coding-DNA position 545, A replaced by G.
Protein change: p.Asn182Ser; replaces asparagine 182 with serine.
Molecular consequence: missense variant.
Genome position (GRCh38, 1-based): chr17:41,818,242, A>G. VCF-style: chr17-41818242-A-G. GRCh37 (hg19) VCF-style: chr17-39974494-A-G.
Other names: short protein forms N182S.
Identifiers: ClinVar variation 1436546 (VCV001436546.3), dbSNP rs782722256, ClinGen allele CA8566272.
Genomic context (GRCh38, chr17:41,818,242, plus strand): 5'-TGCGCCCGCCCCACTGCCCCCGCATGGTCCAGGACGGCGACTTTGTCCGCTACCACTACA[A>G]TGGCACCCTGCTGGACGGCACCTCCTTCGACACCAGGTGAGGGGCTGGAGGGGAGCCCTG-3'
Protein context (NP_068758.3, residues 172-192): QDGDFVRYHY[Asn182Ser]GTLLDGTSFD